The following is an entry in ClinVar:

ClinVar aggregate classification (germline): Likely benign (1 of 4 stars; one submission).

gnomAD v4.1: 128 of 1,613,846 alleles (0.0079%); highest among the groups gnomAD compares: South Asian, 0.11%; 2 homozygotes.

Submission:

CeGaT Center for Human Genetics Tuebingen
Classification: Likely benign. Last evaluated: 2026-02-01. Review status: criteria provided, single submitter. Criteria: CeGaT Center For Human Genetics Tuebingen Variant Classification Criteria Version 2. Collection method: clinical testing. Allele origin: germline. Affected: yes. Observed: 1 variant allele.
Comment: TNIK: BP4

NM_015028.4(TNIK):c.3915G>A (p.Arg1305=)

Gene: TNIK (TRAF2 and NCK interacting kinase; minus strand). Cytogenetic location: 3q26.2.
Variant type: single nucleotide variant.
Coding change: c.3915G>A on transcript NM_015028.4 (MANE Select); coding-DNA position 3915, G replaced by A.
Protein change: p.Arg1305=; no amino-acid change (arginine 1305 retained).
Molecular consequence: synonymous variant.
Genome position (GRCh38, 1-based): chr3:171,066,271, C>T on the plus strand (G>A on the coding strand, the complement: TNIK is on the minus strand). VCF-style: chr3-171066271-C-T. GRCh37 (hg19) VCF-style: chr3-170784060-C-T.
Other names: c.3891G>A, p.Arg1297= (NM_001161560.3); c.3828G>A, p.Arg1276= (NM_001161561.3); c.3804G>A, p.Arg1268= (NM_001161562.3); c.3750G>A, p.Arg1250= (NM_001161563.3); c.3726G>A, p.Arg1242= (NM_001161564.3); c.3663G>A, p.Arg1221= (NM_001161565.3); c.3639G>A, p.Arg1213= (NM_001161566.3).
Identifiers: ClinVar variation 4821668 (VCV004821668.4).